The following is an entry in ClinVar:

ClinVar aggregate classification (germline): Uncertain significance (1 of 4 stars; one submission).

gnomAD v4.1: 12 of 1,613,166 alleles (0.00074%); highest among the groups gnomAD compares: East Asian, 0.018%; no homozygotes.

Submission:

Ambry Genetics
Classification: Uncertain significance. Last evaluated: 2026-05-05. Review status: criteria provided, single submitter. Criteria: Ambry Variant Classification Scheme 2023. Collection method: clinical testing. Allele origin: germline.
Comment: The c.1471C>T (p.H491Y) alteration is located in exon 17 (coding exon 16) of the PUS10 gene. This alteration results from a C to T substitution at nucleotide position 1471, causing the histidine (H) at amino acid position 491 to be replaced by a tyrosine (Y). Based on data from gnomAD, the T allele has an overall frequency of 0.002% (6/282826) total alleles studied. The highest observed frequency was 0.025% (5/19954) of East Asian alleles. Based on insufficient or conflicting evidence, the clinical significance of this alteration remains unclear.

NM_144709.4(PUS10):c.1471C>T (p.His491Tyr)

Gene: PUS10 (pseudouridine synthase 10; minus strand). Cytogenetic location: 2p16.1.
Variant type: single nucleotide variant.
Coding change: c.1471C>T on transcript NM_144709.4 (MANE Select); coding-DNA position 1471, C replaced by T.
Protein change: p.His491Tyr; replaces histidine 491 with tyrosine.
Molecular consequence: missense variant.
Genome position (GRCh38, 1-based): chr2:60,945,089, G>A on the plus strand (C>T on the coding strand, the complement: PUS10 is on the minus strand). VCF-style: chr2-60945089-G-A. GRCh37 (hg19) VCF-style: chr2-61172224-G-A.
Other names: c.1471C>T, p.His491Tyr (NM_001322123.1, NM_001322124.1); c.802C>T, p.His268Tyr (NM_001322127.1); short protein forms H268Y, H491Y.
Identifiers: ClinVar variation 4862798 (VCV004862798.1).